The following is an entry in ClinVar:

ClinVar aggregate classification (germline): Uncertain significance (1 of 4 stars; one submission).

Conditions:
Ichthyosis linearis circumflexa. Identifiers: MedGen C0265962, MONDO:0043106, HP:0025810.

Submission:

Labcorp Genetics (formerly Invitae), Labcorp
Classification: Uncertain significance for Ichthyosis linearis circumflexa. Last evaluated: 2024-11-04. Review status: criteria provided, single submitter. Criteria: Invitae Variant Classification Sherloc (09022015). Collection method: clinical testing. Allele origin: germline.
Comment: This sequence change replaces methionine, which is neutral and non-polar, with threonine, which is neutral and polar, at codon 809 of the SPINK5 protein (p.Met809Thr). This variant is not present in population databases (gnomAD no frequency). This variant has not been reported in the literature in individuals affected with SPINK5-related conditions. ClinVar contains an entry for this variant (Variation ID: 1018709). Invitae Evidence Modeling of protein sequence and biophysical properties (such as structural, functional, and spatial information, amino acid conservation, physicochemical variation, residue mobility, and thermodynamic stability) has been performed for this missense variant. However, the output from this modeling did not meet the statistical confidence thresholds required to predict the impact of this variant on SPINK5 protein function. In summary, the available evidence is currently insufficient to determine the role of this variant in disease. Therefore, it has been classified as a Variant of Uncertain Significance.

NM_006846.4(SPINK5):c.2426T>C (p.Met809Thr)

Gene: SPINK5 (serine peptidase inhibitor Kazal type 5; plus strand). Cytogenetic location: 5q32.
Variant type: single nucleotide variant.
Coding change: c.2426T>C on transcript NM_006846.4 (MANE Select); coding-DNA position 2426, T replaced by C.
Protein change: p.Met809Thr; replaces methionine 809 with threonine.
Molecular consequence: missense variant.
Genome position (GRCh38, 1-based): chr5:148,120,121, T>C. VCF-style: chr5-148120121-T-C. GRCh37 (hg19) VCF-style: chr5-147499684-T-C.
Other names: c.2426T>C, p.Met809Thr (NM_001127698.2, NM_001127699.2); short protein forms M809T.
Identifiers: ClinVar variation 1018709 (VCV001018709.9), dbSNP rs375381713, ClinGen allele CA361646457.